The following is an entry in ClinVar:

NM_020937.4(FANCM):c.1814A>G (p.Lys605Arg)

Gene: FANCM (FA complementation group M; plus strand). Cytogenetic location: 14q21.2.
Variant type: single nucleotide variant.
Coding change: c.1814A>G on transcript NM_020937.4 (MANE Select); coding-DNA position 1814, A replaced by G.
Protein change: p.Lys605Arg; replaces lysine 605 with arginine.
Molecular consequence: missense variant.
Genome position (GRCh38, 1-based): chr14:45,166,975, A>G. VCF-style: chr14-45166975-A-G. GRCh37 (hg19) VCF-style: chr14-45636178-A-G.
Other names: c.1736A>G, p.Lys579Arg (NM_001308133.2); c.1814A>G, p.Lys605Arg (NM_001308134.2); short protein forms K605R, K579R.
Identifiers: ClinVar variation 2974744 (VCV002974744.2), dbSNP rs1446541161, ClinGen allele CA389594825.
Genomic context (GRCh38, chr14:45,166,975, plus strand): 5'-TAATATAATCTGACATTTTCTATTTGTTTTTACAGATTTATAATCAGAGTCAGTCCAACA[A>G]AAGAAGTATATATAAAGCTATTTCAAGTAACAGGCAGGTCCTTCATTTTTACCAAAGAAG-3'
Protein context (NP_065988.1, residues 595-615): ERIYNQSQSN[Lys605Arg]RSIYKAISSN

ClinVar aggregate classification (germline): Uncertain significance (1 of 4 stars; one submission).

Conditions:
Fanconi anemia (FA). Also called: Fanconi's anemia. Identifiers: Orphanet 84, MedGen C0015625, MeSH D005199, MONDO:0019391.

Allele frequency attached by ClinVar (database versions not stated): gnomAD 0.00001; gnomAD exomes 0.00001; TOPMed 0.00001.
gnomAD v4.1: 9 of 1,587,632 alleles (0.00057%); highest among the groups gnomAD compares: Non-Finnish European, 0.00078%; no homozygotes.

Submission:

Labcorp Genetics (formerly Invitae), Labcorp
Classification: Uncertain significance for Fanconi anemia. Last evaluated: 2023-08-17. Review status: criteria provided, single submitter. Criteria: Invitae Variant Classification Sherloc (09022015). Collection method: clinical testing. Allele origin: germline.
Comment: This sequence change replaces lysine, which is basic and polar, with arginine, which is basic and polar, at codon 605 of the FANCM protein (p.Lys605Arg). This variant is present in population databases (no rsID available, gnomAD 0.0009%). This variant has not been reported in the literature in individuals affected with FANCM-related conditions. Algorithms developed to predict the effect of missense changes on protein structure and function output the following: SIFT: "Not Available"; PolyPhen-2: "Benign"; Align-GVGD: "Not Available". The arginine amino acid residue is found in multiple mammalian species, which suggests that this missense change does not adversely affect protein function. In summary, the available evidence is currently insufficient to determine the role of this variant in disease. Therefore, it has been classified as a Variant of Uncertain Significance.